The following is an entry in ClinVar:

NM_145178.4(ATOH7):c.356A>G (p.Asp119Gly)

Gene: ATOH7 (atonal bHLH transcription factor 7; minus strand). Cytogenetic location: 10q21.3.
Variant type: single nucleotide variant.
Coding change: c.356A>G on transcript NM_145178.4 (MANE Select); coding-DNA position 356, A replaced by G.
Protein change: p.Asp119Gly; replaces aspartic acid 119 with glycine.
Molecular consequence: missense variant.
Genome position (GRCh38, 1-based): chr10:68,231,322, T>C on the plus strand (A>G on the coding strand, the complement: ATOH7 is on the minus strand). VCF-style: chr10-68231322-T-C. GRCh37 (hg19) VCF-style: chr10-69991079-T-C.
Other names: c.356A>G (NM_145178.2); short protein forms D119G.
Identifiers: ClinVar variation 1025417 (VCV001025417.9), dbSNP rs201162238, ClinGen allele CA5523336.
Genomic context (GRCh38, chr10:68,231,322, plus strand): 5'-CTCTGGCTGTACAGCTCGCTCTCGCCCGGCAGCTTCGCGCCCGGGAACGGGAGGTAGTGG[T>C]CGCGGCCGAAGTGCTCACAGTGGAGACCCACCCAGTCCCGCTCCGAGCCGAATCGCTCGG-3'
Protein context (NP_660161.1, residues 109-129): VGLHCEHFGR[Asp119Gly]HYLPFPGAKL

ClinVar aggregate classification (germline): Uncertain significance. Review status: criteria provided, multiple submitters, no conflicts (2 of 4 stars). 2 submissions from 2 submitters: Uncertain significance (2). Last evaluated 2025-03-31.

Allele frequency attached by ClinVar (database versions not stated): ExAC 0.00001; gnomAD exomes 0.00006 and 0.00002; TOPMed 0.00004; gnomAD 0.00004.
gnomAD v4.1: 37 of 1,612,666 alleles (0.0023%); highest among the groups gnomAD compares: Non-Finnish European, 0.00059%; no homozygotes.

Submissions (2):

Ambry Genetics
Classification: Uncertain significance. Last evaluated: 2025-03-31. Review status: criteria provided, single submitter. Criteria: Ambry Variant Classification Scheme 2023. Collection method: clinical testing. Allele origin: germline.

Labcorp Genetics (formerly Invitae), Labcorp
Classification: Uncertain significance. Last evaluated: 2024-10-24. Review status: criteria provided, single submitter. Criteria: Invitae Variant Classification Sherloc (09022015). Collection method: clinical testing. Allele origin: germline.
Comment: This sequence change replaces aspartic acid, which is acidic and polar, with glycine, which is neutral and non-polar, at codon 119 of the ATOH7 protein (p.Asp119Gly). This variant is present in population databases (rs201162238, gnomAD 0.1%). This variant has not been reported in the literature in individuals affected with ATOH7-related conditions. ClinVar contains an entry for this variant (Variation ID: 1025417). An algorithm developed to predict the effect of missense changes on protein structure and function (PolyPhen-2) suggests that this variant¬†is likely to be tolerated. In summary, the available evidence is currently insufficient to determine the role of this variant in disease. Therefore, it has been classified as a Variant of Uncertain Significance.